The following is an entry in ClinVar:

ClinVar aggregate classification (germline): Benign. Review status: criteria provided, multiple submitters, no conflicts (2 of 4 stars). 5 submissions from 5 submitters: Benign (4). 1 of the submissions does not count toward it. Last evaluated 2026-01-28.

Conditions:
VPS13C-related disorder. Also called: VPS13C-related condition.

Allele frequency attached by ClinVar (database versions not stated): gnomAD exomes 0.01381 and 0.02275; ESP Exome Variant Server 0.01508; gnomAD 0.01806 and 0.02021; TOPMed 0.01938; ExAC 0.02552; 1000 Genomes Project 30x 0.03841; 1000 Genomes Project 0.04173.
gnomAD v4.1: 23,069 of 1,565,392 alleles (1.5%); highest among the groups gnomAD compares: South Asian, 7.5%; 546 homozygotes.

Submissions (5):

Labcorp Genetics (formerly Invitae), Labcorp
Classification: Benign. Last evaluated: 2026-01-28. Review status: criteria provided, single submitter. Criteria: Invitae Variant Classification Sherloc (09022015). Collection method: clinical testing. Allele origin: germline.

Mayo Clinic Laboratories, Mayo Clinic
Classification: Benign. Last evaluated: 2023-01-15. Review status: criteria provided, single submitter. Criteria: ACMG Guidelines, 2015. Collection method: clinical testing. Allele origin: germline. Observed: 16 variant alleles.

GeneDx
Classification: Benign. Last evaluated: 2021-05-05. Review status: criteria provided, single submitter. Criteria: GeneDx Variant Classification Process June 2021. Collection method: clinical testing. Allele origin: germline. Affected: yes.

Breakthrough Genomics
Classification: Benign. Review status: criteria provided, single submitter. Criteria: ACMG Guidelines, 2015. Collection method: not provided. Allele origin: germline. Inheritance: Autosomal recessive inheritance. Affected: yes.

PreventionGenetics, part of Exact Sciences
Classification: Benign for VPS13C-related condition. Last evaluated: 2019-03-05. Review status: no assertion criteria provided. Collection method: clinical testing. Allele origin: germline. Not counted in ClinVar's aggregate classification.
Comment: This variant is classified as benign based on ACMG/AMP sequence variant interpretation guidelines (Richards et al. 2015 PMID: 25741868, with internal and published modifications).

NM_020821.3(VPS13C):c.5863A>C (p.Asn1955His)

Gene: VPS13C (vacuolar protein sorting 13 homolog C; minus strand). Cytogenetic location: 15q22.2.
Variant type: single nucleotide variant.
Coding change: c.5863A>C on transcript NM_020821.3 (MANE Select); coding-DNA position 5863, A replaced by C.
Protein change: p.Asn1955His; replaces asparagine 1955 with histidine.
Molecular consequence: missense variant.
Genome position (GRCh38, 1-based): chr15:61,934,224, T>G on the plus strand (A>C on the coding strand, the complement: VPS13C is on the minus strand). VCF-style: chr15-61934224-T-G. GRCh37 (hg19) VCF-style: chr15-62226423-T-G.
Other names: p.Asn1955His; c.5863A>C, p.Asn1955His (NM_001018088.3); c.5734A>C, p.Asn1912His (NM_017684.5, NM_018080.4); short protein forms N1912H, N1955H.
Identifiers: ClinVar variation 1229141 (VCV001229141.15), dbSNP rs112236709, ClinGen allele CA7595712.
Genomic context (GRCh38, chr15:61,934,224, plus strand): 5'-AACTGACTATCAAGAGCTAAGGATTTATTTCTAATTACAGAAATGTATTACATACCTGGT[T>G]GATATCATTGTTATAAAGGATAATGGAAAGAGATTCAAAGTGAAAGTCAAATTGGAGACT-3'
Protein context (NP_065872.1, residues 1945-1965): LSIILYNNDI[Asn1955His]QESGVAFHND